The following is an entry in ClinVar:

ClinVar aggregate classification (germline): Uncertain significance (1 of 4 stars; one submission).

Conditions:
Familial thoracic aortic aneurysm and aortic dissection (TAAD). Also called: Thoracic aortic aneurysms and dissections. Identifiers: Orphanet 91387, MedGen C4707243, MONDO:0019625.

Submission:

Ambry Genetics
Classification: Uncertain significance for Familial thoracic aortic aneurysm and aortic dissection. Last evaluated: 2025-08-24. Review status: criteria provided, single submitter. Criteria: Ambry Variant Classification Scheme 2023. Collection method: clinical testing. Allele origin: germline.
Comment: The p.C1871Y variant (also known as c.5612G>A), located in coding exon 30 of the NOTCH1 gene, results from a G to A substitution at nucleotide position 5612. The cysteine at codon 1871 is replaced by tyrosine, an amino acid with highly dissimilar properties. This amino acid position is conserved. In addition, the in silico prediction for this alteration is inconclusive. Since supporting evidence is limited at this time, the clinical significance of this alteration remains unclear.

NM_017617.5(NOTCH1):c.5612G>A (p.Cys1871Tyr)

Gene: NOTCH1 (notch receptor 1; minus strand). Cytogenetic location: 9q34.3.
Variant type: single nucleotide variant.
Coding change: c.5612G>A on transcript NM_017617.5 (MANE Select); coding-DNA position 5612, G replaced by A.
Protein change: p.Cys1871Tyr; replaces cysteine 1871 with tyrosine.
Molecular consequence: missense variant.
Genome position (GRCh38, 1-based): chr9:136,501,774, C>T on the plus strand (G>A on the coding strand, the complement: NOTCH1 is on the minus strand). VCF-style: chr9-136501774-C-T. GRCh37 (hg19) VCF-style: chr9-139396226-C-T.
Other names: short protein forms C1871Y.
Identifiers: ClinVar variation 1748640 (VCV001748640.3), dbSNP rs2133328579, ClinGen allele CA375638944.
Genomic context (GRCh38, chr9:136,501,774, plus strand): 5'-GGGCTAGGGAAGCCCTGGCTGCTGGCACCCTTACCAGGCCCGCGGACATTGACGTCCATG[C>T]AGTCGGCGTCAACCTCACCCTGGGGCGGTGTGGGGGCCATGGCAGACATGCGCAGGTCAG-3'
Protein context (NP_060087.3, residues 1861-1881): TPPQGEVDAD[Cys1871Tyr]MDVNVRGPDG